The following is an entry in ClinVar:

NM_000179.3(MSH6):c.3738_3740dup (p.Thr1247_His1248insThr)

Gene: MSH6 (mutS homolog 6; plus strand). Cytogenetic location: 2p16.3.
Variant type: Duplication.
Coding change: c.3738_3740dup on transcript NM_000179.3 (MANE Select); coding-DNA positions 3738 to 3740, 3 bases duplicated (AAC; older notation c.3738_3740dupAAC).
Protein change: p.Thr1247_His1248insThr.
Molecular consequence: non-coding transcript variant (on NR_176256.1).
Genome position (GRCh38, 1-based): chr2:47,806,295-47,806,297, AAC duplicated; duplicating any 3 consecutive bases within chr2:47,806,294-47,806,297 gives the same sequence; the c. name uses the placement nearest the transcript's 3' end. VCF-style (leftmost placement, unchanged base first): chr2-47806293-T-TCAA. GRCh37 (hg19) VCF-style: chr2-48033432-T-TCAA.
Other names: c.519_521dup, p.Thr174_His175insThr (NM_001406831.1); c.585_587dup, p.Thr196_His197insThr (NM_001406832.1); c.1683_1685dup, p.Thr562_His563insThr (NM_001407362.1); c.3348_3350dup, p.Thr1117_His1118insThr (NM_001281492.2); c.2832_2834dup, p.Thr945_His946insThr (NM_001281493.2, NM_001281494.2, NM_001406811.1 and 6 more transcripts); c.3834_3836dup, p.Thr1279_His1280insThr (NM_001406795.1, NM_001406802.1); c.3738_3740dup, p.Thr1247_His1248insThr (NM_001406796.1, NM_001406800.1, NM_001406808.1 and 1 more transcripts); c.3441_3443dup, p.Thr1148_His1149insThr (NM_001406797.1, NM_001406801.1, NM_001406805.1 and 10 more transcripts); and 7 more.
Identifiers: ClinVar variation 3651418 (VCV003651418.2).

ClinVar aggregate classification (germline): Uncertain significance (1 of 4 stars; one submission).

Conditions:
Hereditary nonpolyposis colorectal neoplasms. Identifiers: MedGen C0009405, MeSH D003123.

Submission:

Labcorp Genetics (formerly Invitae), Labcorp
Classification: Uncertain significance for Hereditary nonpolyposis colorectal neoplasms. Last evaluated: 2024-04-29. Review status: criteria provided, single submitter. Criteria: Invitae Variant Classification Sherloc (09022015). Collection method: clinical testing. Allele origin: germline.
Comment: This variant, c.3738_3740dup, results in the insertion of 1 amino acid(s) of the MSH6 protein (p.Thr1247dup), but otherwise preserves the integrity of the reading frame. This variant is not present in population databases (gnomAD no frequency). This variant has not been reported in the literature in individuals affected with MSH6-related conditions. In summary, the available evidence is currently insufficient to determine the role of this variant in disease. Therefore, it has been classified as a Variant of Uncertain Significance.